The following is an entry in ClinVar:

NM_144666.3(DNHD1):c.4080C>G (p.Phe1360Leu)

Gene: DNHD1 (dynein heavy chain domain 1; plus strand). Cytogenetic location: 11p15.4.
Variant type: single nucleotide variant.
Coding change: c.4080C>G on transcript NM_144666.3 (MANE Select); coding-DNA position 4080, C replaced by G.
Protein change: p.Phe1360Leu; replaces phenylalanine 1360 with leucine.
Molecular consequence: missense variant.
Genome position (GRCh38, 1-based): chr11:6,545,019, C>G. VCF-style: chr11-6545019-C-G. GRCh37 (hg19) VCF-style: chr11-6566249-C-G.
Other names: short protein forms F1360L.
Identifiers: ClinVar variation 718552 (VCV000718552.8), dbSNP rs149570530, ClinGen allele CA5855973.
Genomic context (GRCh38, chr11:6,545,019, plus strand): 5'-CATCATCATGAGTCTGGAGAGCGTGCTCTATGGGGTGTGTGCTCACTTCCCCCGCCTCTT[C>G]TTCCTTAGTGACAGTGAGCTGGTAGCCCTGCTGGCTGCTCGACTGGAATCATGCGAAGCC-3'
Protein context (NP_653267.2, residues 1350-1370): YGVCAHFPRL[Phe1360Leu]FLSDSELVAL

ClinVar aggregate classification (germline): Benign/Likely benign. Review status: criteria provided, multiple submitters, no conflicts (2 of 4 stars). 4 submissions from 4 submitters: Benign (2); Likely benign (1). 1 of the submissions does not count toward it. Last evaluated 2025-08-18.

Conditions:
DNHD1-related disorder. Also called: DNHD1-related condition.

Allele frequency attached by ClinVar (database versions not stated): gnomAD 0.00662 and 0.00716; TOPMed 0.00727; 1000 Genomes Project 30x 0.00765; 1000 Genomes Project 0.00779; ESP Exome Variant Server 0.00810; gnomAD exomes 0.00080 and 0.00168; ExAC 0.00321.
gnomAD v4.1: 2,190 of 1,551,868 alleles (0.14%); highest among the groups gnomAD compares: African/African-American, 2.3%; 27 homozygotes.

Submissions (4):

Genomic Medicine Center of Excellence, King Faisal Specialist Hospital and Research Centre
Classification: Likely benign. Last evaluated: 2025-08-18. Review status: criteria provided, single submitter. Criteria: ACMG Guidelines, 2015. Collection method: clinical testing. Allele origin: germline.

Labcorp Genetics (formerly Invitae), Labcorp
Classification: Benign. Last evaluated: 2019-12-31. Review status: criteria provided, single submitter. Criteria: Invitae Variant Classification Sherloc (09022015). Collection method: clinical testing. Allele origin: germline.

Breakthrough Genomics
Classification: Benign. Review status: criteria provided, single submitter. Criteria: ACMG Guidelines, 2015. Collection method: not provided. Allele origin: germline. Inheritance: Autosomal recessive inheritance. Affected: yes.

PreventionGenetics, part of Exact Sciences
Classification: Benign for DNHD1-related condition. Last evaluated: 2019-02-25. Review status: no assertion criteria provided. Collection method: clinical testing. Allele origin: germline. Not counted in ClinVar's aggregate classification.
Comment: This variant is classified as benign based on ACMG/AMP sequence variant interpretation guidelines (Richards et al. 2015 PMID: 25741868, with internal and published modifications).